The following is an entry in ClinVar:

ClinVar aggregate classification (germline): Conflicting classifications of pathogenicity. Review status: criteria provided, conflicting classifications (1 of 4 stars). 3 submissions from 3 submitters: Uncertain significance (1); Likely benign (2). Last evaluated 2025-08-23.

Conditions:
Inborn genetic diseases. Identifiers: MedGen C0950123, MeSH D030342.
EXPH5-related disorder. Also called: EXPH5-related condition.

Allele frequency attached by ClinVar (database versions not stated): gnomAD exomes 0.00025; ExAC 0.00028; ESP Exome Variant Server 0.00108; 1000 Genomes Project 30x 0.00109; gnomAD 0.00109 and 0.00121; 1000 Genomes Project 0.00120; TOPMed 0.00124.
gnomAD v4.1: 378 of 1,613,926 alleles (0.023%); highest among the groups gnomAD compares: African/African-American, 0.38%; 2 homozygotes.

Submissions (3):

Labcorp Genetics (formerly Invitae), Labcorp
Classification: Likely benign. Last evaluated: 2025-08-23. Review status: criteria provided, single submitter. Criteria: Invitae Variant Classification Sherloc (09022015). Collection method: clinical testing. Allele origin: germline.

PreventionGenetics, part of Exact Sciences
Classification: Likely benign for EXPH5-related condition. Last evaluated: 2025-05-12. Review status: criteria provided, single submitter. Criteria: ACMG Guidelines, 2015. Collection method: clinical testing. Allele origin: germline.
Comment: This variant is classified as likely benign based on ACMG/AMP sequence variant interpretation guidelines (Richards et al. 2015 PMID: 25741868, with internal and published modifications).

Ambry Genetics
Classification: Uncertain significance for Inborn genetic diseases. Last evaluated: 2024-07-09. Review status: criteria provided, single submitter. Criteria: Ambry Variant Classification Scheme 2023. Collection method: clinical testing. Allele origin: germline.

NM_015065.3(EXPH5):c.5059G>A (p.Val1687Ile)

Gene: EXPH5 (exophilin 5; minus strand). Cytogenetic location: 11q22.3.
Variant type: single nucleotide variant.
Coding change: c.5059G>A on transcript NM_015065.3 (MANE Select); coding-DNA position 5059, G replaced by A.
Protein change: p.Val1687Ile; replaces valine 1687 with isoleucine.
Molecular consequence: missense variant.
Genome position (GRCh38, 1-based): chr11:108,510,448, C>T on the plus strand (G>A on the coding strand, the complement: EXPH5 is on the minus strand). VCF-style: chr11-108510448-C-T. GRCh37 (hg19) VCF-style: chr11-108381175-C-T.
Other names: c.4831G>A, p.Val1611Ile (NM_001144763.2); c.4591G>A, p.Val1531Ile (NM_001144764.2); c.4495G>A, p.Val1499Ile (NM_001144765.2); c.5038G>A, p.Val1680Ile (NM_001308019.2); short protein forms V1531I, V1680I, V1687I, V1499I, V1611I.
Identifiers: ClinVar variation 787388 (VCV000787388.9), dbSNP rs115033293, ClinGen allele CA6267410.